The following is an entry in ClinVar:

ClinVar aggregate classification (germline): Likely benign. Review status: criteria provided, multiple submitters, no conflicts (2 of 4 stars). 2 submissions from 2 submitters: Likely benign (2). Last evaluated 2024-02-01.

Allele frequency attached by ClinVar (database versions not stated): gnomAD 0.00007 and 0.00006; gnomAD exomes 0.00012 and 0.00006; ExAC 0.00025; TOPMed 0.00003.
gnomAD v4.1: 92 of 1,613,366 alleles (0.0057%); highest among the groups gnomAD compares: Non-Finnish European, 0.0075%; no homozygotes.

Submissions (2):

CeGaT Center for Human Genetics Tuebingen
Classification: Likely benign. Last evaluated: 2024-02-01. Review status: criteria provided, single submitter. Criteria: CeGaT Center For Human Genetics Tuebingen Variant Classification Criteria Version 2. Collection method: clinical testing. Allele origin: germline. Affected: yes. Observed: 1 variant allele.
Comment: SHANK2: BP4, BP7

Genetic Services Laboratory, University of Chicago
Classification: Likely benign. Last evaluated: 2016-09-15. Review status: criteria provided, single submitter. Criteria: ACMG Guidelines, 2015. Collection method: clinical testing. Allele origin: germline. Affected: no.

NM_012309.5(SHANK2):c.3120C>T (p.Ser1040=)

Gene: SHANK2 (SH3 and multiple ankyrin repeat domains 2; minus strand). Cytogenetic location: 11q13.3.
Variant type: single nucleotide variant.
Coding change: c.3120C>T on transcript NM_012309.5 (MANE Select); coding-DNA position 3120, C replaced by T.
Protein change: p.Ser1040=; no amino-acid change (serine 1040 retained).
Molecular consequence: synonymous variant.
Genome position (GRCh38, 1-based): chr11:70,487,173, G>A on the plus strand (C>T on the coding strand, the complement: SHANK2 is on the minus strand). VCF-style: chr11-70487173-G-A. GRCh37 (hg19) VCF-style: chr11-70333278-G-A.
Other names: c.1983C>T, p.Ser661= (NM_001379226.1); c.1356C>T, p.Ser452= (NM_133266.5).
Identifiers: ClinVar variation 436706 (VCV000436706.28), dbSNP rs782245412, ClinGen allele CA6161173.